The following is an entry in ClinVar:

ClinVar aggregate classification (germline): Likely pathogenic. Review status: criteria provided, multiple submitters, no conflicts (2 of 4 stars). 2 submissions from 2 submitters: Likely pathogenic (2). Last evaluated 2021-06-01.

Submissions (2):

CeGaT Center for Human Genetics Tuebingen
Classification: Likely pathogenic. Last evaluated: 2021-06-01. Review status: criteria provided, single submitter. Criteria: CeGaT Center For Human Genetics Tuebingen Variant Classification Criteria Version 2. Collection method: clinical testing. Allele origin: germline. Affected: yes. Observed: 1 variant allele.

GeneDx
Classification: Likely pathogenic. Last evaluated: 2017-09-13. Review status: criteria provided, single submitter. Criteria: GeneDx Variant Classification (06012015). Collection method: clinical testing. Allele origin: germline. Affected: yes.
Comment: A novel variant that is likely pathogenic has been identified in the HNRNPU gene. The c.2319_2320delAG variant has not been published as a pathogenic variant, nor has it been reported as a benign variant to our knowledge. The c.2319_2320delAG variant is not observed in large population cohorts (Lek et al., 2016; 1000 Genomes Consortium et al., 2015; Exome Variant Server). The c.2319_2320delAG variant causes a frameshift starting with codon Glycine 774, changes this amino acid to a Tryptophan residue and creates a Stop codon at position 78 of the new reading frame, denoted p.Gly774TrpfsX78. This variant is predicted to cause a protein extension as the last 52 amino acids are replaced with 77 incorrect amino acids. Other downstream variants in the HNRNPU gene have been reported in the Human Gene Mutation Database in association with HNRNPU-related disorders (Stenson et al., 2014). Therefore, this variant is likely pathogenic; however, the possibility that it is benign cannot be excluded.

NM_031844.3(HNRNPU):c.2319_2320del (p.Gly774fs)

Gene: HNRNPU (heterogeneous nuclear ribonucleoprotein U; minus strand). Cytogenetic location: 1q44.
Variant type: Microsatellite.
Coding change: c.2319_2320del on transcript NM_031844.3 (MANE Select); coding-DNA positions 2319 to 2320, 2 bases deleted (AG; older notation c.2319_2320delAG).
Protein change: p.Gly774fs; shifts the reading frame from glycine 774.
Molecular consequence: frameshift variant.
Genome position (GRCh38, 1-based): chr1:244,855,456-244,855,457, CT deleted on the plus strand (AG on the coding strand, the reverse complement: HNRNPU is on the minus strand); deleting any 2 consecutive bases within chr1:244,855,456-244,855,459 gives the same sequence; the c. name uses the placement nearest the transcript's 3' end. VCF-style (leftmost placement, unchanged base first): chr1-244855455-CCT-C. GRCh37 (hg19) VCF-style: chr1-245018757-CCT-C.
Other names: c.2262_2263del, p.Gly755fs (NM_004501.3); short protein forms G755fs, G774fs.
Identifiers: ClinVar variation 451925 (VCV000451925.37), dbSNP rs1553282089, ClinGen allele CA658657003.